The following is an entry in ClinVar:

ClinVar aggregate classification (germline): Uncertain significance (1 of 4 stars; one submission).

Conditions:
Hereditary hyperekplexia. Identifiers: Orphanet 3197, MedGen C4084968, MONDO:0021022.

Allele frequency attached by ClinVar (database versions not stated): gnomAD exomes below 0.00001 and 0.00001; gnomAD 0.00001 and 0.00003; TOPMed 0.00003.

Submission:

Labcorp Genetics (formerly Invitae), Labcorp
Classification: Uncertain significance for Hereditary hyperekplexia. Last evaluated: 2024-12-17. Review status: criteria provided, single submitter. Criteria: Invitae Variant Classification Sherloc (09022015). Collection method: clinical testing. Allele origin: germline.
Comment: This sequence change replaces alanine, which is neutral and non-polar, with threonine, which is neutral and polar, at codon 357 of the GLRA1 protein (p.Ala357Thr). This variant is present in population databases (no rsID available, gnomAD 0.008%). This variant has not been reported in the literature in individuals affected with GLRA1-related conditions. ClinVar contains an entry for this variant (Variation ID: 1015324). Invitae Evidence Modeling of protein sequence and biophysical properties (such as structural, functional, and spatial information, amino acid conservation, physicochemical variation, residue mobility, and thermodynamic stability) indicates that this missense variant is not expected to disrupt GLRA1 protein function with a negative predictive value of 95%. In summary, the available evidence is currently insufficient to determine the role of this variant in disease. Therefore, it has been classified as a Variant of Uncertain Significance.

NM_000171.4(GLRA1):c.1069G>A (p.Ala357Thr)

Gene: GLRA1 (glycine receptor alpha 1; minus strand). Cytogenetic location: 5q33.1.
Variant type: single nucleotide variant.
Coding change: c.1069G>A on transcript NM_000171.4 (MANE Select); coding-DNA position 1069, G replaced by A.
Protein change: p.Ala357Thr; replaces alanine 357 with threonine.
Molecular consequence: missense variant.
Genome position (GRCh38, 1-based): chr5:151,822,954, C>T on the plus strand (G>A on the coding strand, the complement: GLRA1 is on the minus strand). VCF-style: chr5-151822954-C-T. GRCh37 (hg19) VCF-style: chr5-151202515-C-T.
Other names: c.1093G>A, p.Ala365Thr (NM_001146040.2); c.820G>A, p.Ala274Thr (NM_001292000.2); short protein forms A274T, A357T, A365T.
Identifiers: ClinVar variation 1015324 (VCV001015324.8), dbSNP rs1379750212, ClinGen allele CA361850367.
Genomic context (GRCh38, chr5:151,822,954, plus strand): 5'-TGGCCTGTAGACAGGCTGGGCCCATCCCATAGGCAGAGAAGTTAAAGCGGCCTTCTCCAG[C>T]TTCATCCTCCTGGAATAGATTCAACATGGGGCTCTACTTAAAATAAGACAGGGGCTAGGC-3'
Protein context (NP_000162.2, residues 347-367): RKRRHHKEDE[Ala357Thr]GEGRFNFSAY